The following is an entry in ClinVar:

ClinVar aggregate classification (germline): Uncertain significance. Review status: criteria provided, multiple submitters, no conflicts (2 of 4 stars). 2 submissions from 2 submitters: Uncertain significance (2). Last evaluated 2024-07-13.

Allele frequency attached by ClinVar (database versions not stated): TOPMed below 0.00001.

Submissions (2):

Labcorp Genetics (formerly Invitae), Labcorp
Classification: Uncertain significance. Last evaluated: 2024-07-13. Review status: criteria provided, single submitter. Criteria: Invitae Variant Classification Sherloc (09022015). Collection method: clinical testing. Allele origin: germline.
Comment: This sequence change replaces aspartic acid, which is acidic and polar, with glycine, which is neutral and non-polar, at codon 321 of the ABCA4 protein (p.Asp321Gly). This variant is not present in population databases (gnomAD no frequency). This variant has not been reported in the literature in individuals affected with ABCA4-related conditions. ClinVar contains an entry for this variant (Variation ID: 2121857). Advanced modeling of protein sequence and biophysical properties (such as structural, functional, and spatial information, amino acid conservation, physicochemical variation, residue mobility, and thermodynamic stability) has been performed at Invitae for this missense variant, however the output from this modeling did not meet the statistical confidence thresholds required to predict the impact of this variant on ABCA4 protein function. In summary, the available evidence is currently insufficient to determine the role of this variant in disease. Therefore, it has been classified as a Variant of Uncertain Significance.

Blueprint Genetics
Classification: Uncertain significance. Last evaluated: 2019-09-20. Review status: criteria provided, single submitter. Criteria: ACMG Guidelines, 2015. Collection method: clinical testing. Allele origin: germline.

NM_000350.3(ABCA4):c.962A>G (p.Asp321Gly)

Gene: ABCA4 (ATP binding cassette subfamily A member 4; minus strand). Cytogenetic location: 1p22.1.
Variant type: single nucleotide variant.
Coding change: c.962A>G on transcript NM_000350.3 (MANE Select); coding-DNA position 962, A replaced by G.
Protein change: p.Asp321Gly; replaces aspartic acid 321 with glycine.
Molecular consequence: missense variant.
Genome position (GRCh38, 1-based): chr1:94,080,615, T>C on the plus strand (A>G on the coding strand, the complement: ABCA4 is on the minus strand). VCF-style: chr1-94080615-T-C. GRCh37 (hg19) VCF-style: chr1-94546171-T-C.
Other names: c.962A>G, p.Asp321Gly (NM_001425324.1); short protein forms D321G.
Identifiers: ClinVar variation 2121857 (VCV002121857.5), dbSNP rs1661667039, ClinGen allele CA341284322.
Genomic context (GRCh38, chr1:94,080,615, plus strand): 5'-TCATACCAGTTGAAGGAGAGCACCCGAGAGCCACCTCCCTCGGGGTAGCCACACAGGAGG[T>C]CAGACAGGATGCCCATCAGCTTTGTAAAGGTCTCTGGACCACCATTCTGCATGAGGGGCC-3'
Protein context (NP_000341.2, residues 311-331): TFTKLMGILS[Asp321Gly]LLCGYPEGGG